The following is an entry in ClinVar:

ClinVar aggregate classification (germline): Uncertain significance (1 of 4 stars; one submission).

Conditions:
Bethlem myopathy 1A. Also called: Bethlem Muscular Dystrophy; Bethlem myopathy 1; MYOPATHY, BENIGN CONGENITAL, WITH CONTRACTURES. Identifiers: Orphanet 610, MedGen CN029274, MONDO:0024530, OMIM 158810.

Submission:

Labcorp Genetics (formerly Invitae), Labcorp
Classification: Uncertain significance for Bethlem myopathy 1A. Last evaluated: 2022-03-29. Review status: criteria provided, single submitter. Criteria: Invitae Variant Classification Sherloc (09022015). Collection method: clinical testing. Allele origin: germline.
Comment: Algorithms developed to predict the effect of missense changes on protein structure and function are either unavailable or do not agree on the potential impact of this missense change (SIFT: "Tolerated"; PolyPhen-2: "Probably Damaging"; Align-GVGD: "Class C0"). In summary, the available evidence is currently insufficient to determine the role of this variant in disease. Therefore, it has been classified as a Variant of Uncertain Significance. Algorithms developed to predict the effect of sequence changes on RNA splicing suggest that this variant may create or strengthen a splice site. ClinVar contains an entry for this variant (Variation ID: 650002). This missense change has been observed in individual(s) with clinical features of COL6A3-related conditions (PMID: 7695699, 8218237, 15689448, 19344236, 24038877). It has also been observed to segregate with disease in related individuals. This variant is not present in population databases (gnomAD no frequency). This sequence change replaces glycine, which is neutral and non-polar, with glutamic acid, which is acidic and polar, at codon 2119 of the COL6A3 protein (p.Gly2119Glu).

Literature cited by the submitters: PubMed 7695699; PubMed 8218237; PubMed 15689448; PubMed 19344236; PubMed 24038877.

NM_004369.4(COL6A3):c.6356G>A (p.Gly2119Glu)

Gene: COL6A3 (collagen type VI alpha 3 chain; minus strand). Cytogenetic location: 2q37.3.
Variant type: single nucleotide variant.
Coding change: c.6356G>A on transcript NM_004369.4 (MANE Select); coding-DNA position 6356, G replaced by A.
Protein change: p.Gly2119Glu; replaces glycine 2119 with glutamic acid.
Molecular consequence: missense variant.
Genome position (GRCh38, 1-based): chr2:237,359,087, C>T on the plus strand (G>A on the coding strand, the complement: COL6A3 is on the minus strand). VCF-style: chr2-237359087-C-T. GRCh37 (hg19) VCF-style: chr2-238267730-C-T.
Other names: c.4535G>A, p.Gly1512Glu (NM_057166.5); c.5738G>A, p.Gly1913Glu (NM_057167.4); short protein forms G1913E, G2119E, G1512E.
Identifiers: ClinVar variation 650002 (VCV000650002.11), dbSNP rs1574974640, ClinGen allele CA351215849.